The following is an entry in ClinVar:

NM_032444.4(SLX4):c.2835G>C (p.Glu945Asp)

Gene: SLX4 (SLX4 structure-specific endonuclease subunit; minus strand). Cytogenetic location: 16p13.3.
Variant type: single nucleotide variant.
Coding change: c.2835G>C on transcript NM_032444.4 (MANE Select); coding-DNA position 2835, G replaced by C.
Protein change: p.Glu945Asp; replaces glutamic acid 945 with aspartic acid.
Molecular consequence: missense variant.
Genome position (GRCh38, 1-based): chr16:3,590,803, C>G on the plus strand (G>C on the coding strand, the complement: SLX4 is on the minus strand). VCF-style: chr16-3590803-C-G. GRCh37 (hg19) VCF-style: chr16-3640804-C-G.
Other names: short protein forms E945D.
Identifiers: ClinVar variation 1374548 (VCV001374548.8), dbSNP rs2040579474, ClinGen allele CA394522672.

ClinVar aggregate classification (germline): Uncertain significance (1 of 4 stars; one submission).

Conditions:
Fanconi anemia (FA). Also called: Fanconi's anemia. Identifiers: Orphanet 84, MedGen C0015625, MeSH D005199, MONDO:0019391.

Allele frequency attached by ClinVar (database versions not stated): TOPMed below 0.00001; gnomAD exomes 0.00001.
gnomAD v4.1: 7 of 1,614,044 alleles (0.00043%); highest among the groups gnomAD compares: Non-Finnish European, 0.00059%; no homozygotes.

Submission:

Labcorp Genetics (formerly Invitae), Labcorp
Classification: Uncertain significance for Fanconi anemia. Last evaluated: 2022-02-03. Review status: criteria provided, single submitter. Criteria: Invitae Variant Classification Sherloc (09022015). Collection method: clinical testing. Allele origin: germline.
Comment: In summary, the available evidence is currently insufficient to determine the role of this variant in disease. Therefore, it has been classified as a Variant of Uncertain Significance. Algorithms developed to predict the effect of missense changes on protein structure and function (SIFT, PolyPhen-2, Align-GVGD) all suggest that this variant is likely to be tolerated. This variant has not been reported in the literature in individuals affected with SLX4-related conditions. This variant is not present in population databases (gnomAD no frequency). This sequence change replaces glutamic acid, which is acidic and polar, with aspartic acid, which is acidic and polar, at codon 945 of the SLX4 protein (p.Glu945Asp).